The following is an entry in ClinVar:

NM_152703.5(SAMD9L):c.3467C>A (p.Ala1156Glu)

Gene: SAMD9L (sterile alpha motif domain containing 9 like; minus strand). Cytogenetic location: 7q21.2.
Variant type: single nucleotide variant.
Coding change: c.3467C>A on transcript NM_152703.5 (MANE Select); coding-DNA position 3467, C replaced by A.
Protein change: p.Ala1156Glu; replaces alanine 1156 with glutamic acid.
Molecular consequence: missense variant.
Genome position (GRCh38, 1-based): chr7:93,132,505, G>T on the plus strand (C>A on the coding strand, the complement: SAMD9L is on the minus strand). VCF-style: chr7-93132505-G-T. GRCh37 (hg19) VCF-style: chr7-92761818-G-T.
Other names: c.3467C>A (NM_152703.2); c.3467C>A, p.Ala1156Glu (NM_001303496.3, NM_001303497.3, NM_001303498.3 and 5 more transcripts); short protein forms A1156E.
Identifiers: ClinVar variation 3065345 (VCV003065345.2), dbSNP rs374886942, ClinGen allele CA368182268.

ClinVar aggregate classification (germline): Uncertain significance. Review status: criteria provided, multiple submitters, no conflicts (2 of 4 stars). 2 submissions from 2 submitters: Uncertain significance (2). Last evaluated 2024-11-24.

Conditions:
Inborn genetic diseases. Identifiers: MedGen C0950123, MeSH D030342.
Ataxia-pancytopenia syndrome (ATXPC). Also called: SAMD9L-Related Syndrome; SAMD9L Ataxia-Pancytopenia Syndrome. Identifiers: Orphanet 2585, MedGen C1327919, MONDO:0008038, OMIM 159550.

gnomAD v4.1: 1 of 1,613,732 alleles (0.000062%); highest among the groups gnomAD compares: Non-Finnish European, 0.000085%; no homozygotes.

Submissions (2):

Ambry Genetics
Classification: Uncertain significance for Inborn genetic diseases. Last evaluated: 2024-11-24. Review status: criteria provided, single submitter. Criteria: Ambry Variant Classification Scheme 2023. Collection method: clinical testing. Allele origin: germline.
Comment: The p.A1156E variant (also known as c.3467C>A), located in coding exon 1 of the SAMD9L gene, results from a C to A substitution at nucleotide position 3467. The alanine at codon 1156 is replaced by glutamic acid, an amino acid with dissimilar properties. This amino acid position is conserved. In addition, the in silico prediction for this alteration is inconclusive. Based on the available evidence, the clinical significance of this variant remains unclear.

Genomic Medicine Center of Excellence, King Faisal Specialist Hospital and Research Centre
Classification: Uncertain significance for Ataxia-pancytopenia syndrome. Last evaluated: 2024-03-26. Review status: criteria provided, single submitter. Criteria: ACMG Guidelines, 2015. Collection method: clinical testing. Allele origin: germline.